The following is an entry in ClinVar:

NM_032119.4(ADGRV1):c.4880T>C (p.Phe1627Ser)

Gene: ADGRV1 (adhesion G protein-coupled receptor V1; plus strand). Cytogenetic location: 5q14.3.
Variant type: single nucleotide variant.
Coding change: c.4880T>C on transcript NM_032119.4 (MANE Select); coding-DNA position 4880, T replaced by C.
Protein change: p.Phe1627Ser; replaces phenylalanine 1627 with serine.
Molecular consequence: missense variant. On other transcripts: non-coding transcript variant (1).
Genome position (GRCh38, 1-based): chr5:90,672,673, T>C. VCF-style: chr5-90672673-T-C. GRCh37 (hg19) VCF-style: chr5-89968490-T-C.
Other names: short protein forms F1627S.
Identifiers: ClinVar variation 866366 (VCV000866366.12), dbSNP rs367588475, ClinGen allele CA3339429.
Genomic context (GRCh38, chr5:90,672,673, plus strand): 5'-ATGTTTTTTACACCATTTCACAGATTGAAACTGATGGCATTAATTACCTTGTTGATGACT[T>C]TGCTAATGCCAGTGGAACTATTACATTCCTTCCTTGGCAGAGATCAGAGGTAAACCCTAC-3'
Protein context (NP_115495.3, residues 1617-1637): TDGINYLVDD[Phe1627Ser]ANASGTITFL

ClinVar aggregate classification (germline): Conflicting classifications of pathogenicity. Review status: criteria provided, conflicting classifications (1 of 4 stars). 4 submissions from 4 submitters: Uncertain significance (3); Likely benign (1). Last evaluated 2026-06-18.

Conditions:
Inborn genetic diseases. Identifiers: MedGen C0950123, MeSH D030342.

Allele frequency attached by ClinVar (database versions not stated): gnomAD exomes below 0.00001 and 0.00001; ExAC 0.00002; gnomAD 0.00005; TOPMed 0.00005; ESP Exome Variant Server 0.00008.
gnomAD v4.1: 12 of 1,613,560 alleles (0.00074%); highest among the groups gnomAD compares: African/African-American, 0.013%; no homozygotes.

Submissions (4):

Women's Health and Genetics/Laboratory Corporation of America, LabCorp
Classification: Uncertain significance. Last evaluated: 2026-06-18. Review status: criteria provided, single submitter. Criteria: LabCorp Variant Classification Summary - May 2015. Collection method: clinical testing. Allele origin: germline.
Comment: Variant summary: ADGRV1 c.4880T>C (p.Phe1627Ser) results in a non-conservative amino acid change in the encoded protein sequence. Algorithms developed to predict the effect of missense changes on protein structure and function are either unavailable or do not agree on the potential impact of this missense change. The variant allele was found at a frequency of 1.2e-05 in 248888 control chromosomes. The available data on variant occurrences in the general population are insufficient to allow any conclusion about variant significance. To our knowledge, no occurrence of c.4880T>C in individuals affected with ADGRV1-related conditions and no experimental evidence demonstrating its impact on protein function have been reported. ClinVar contains an entry for this variant (Variation ID: 866366). Based on the evidence outlined above, the variant was classified as uncertain significance.

Labcorp Genetics (formerly Invitae), Labcorp
Classification: Likely benign. Last evaluated: 2025-11-27. Review status: criteria provided, single submitter. Criteria: Invitae Variant Classification Sherloc (09022015). Collection method: clinical testing. Allele origin: germline.

Ambry Genetics
Classification: Uncertain significance for Inborn genetic diseases. Last evaluated: 2025-04-01. Review status: criteria provided, single submitter. Criteria: Ambry Variant Classification Scheme 2023. Collection method: clinical testing. Allele origin: germline.

Blueprint Genetics
Classification: Uncertain significance. Last evaluated: 2021-02-16. Review status: criteria provided, single submitter. Criteria: ACMG Guidelines, 2015. Collection method: clinical testing. Allele origin: germline.